The following is an entry in ClinVar:

ClinVar aggregate classification (germline): Uncertain significance (1 of 4 stars; one submission).

Conditions:
Long QT syndrome (LQTS). Identifiers: MedGen C0023976, MeSH D008133, MONDO:0002442. Disease mechanism: loss of function. Inheritance: Various modes of inheritance.

Submission:

Labcorp Genetics (formerly Invitae), Labcorp
Classification: Uncertain significance for Long QT syndrome. Last evaluated: 2025-08-04. Review status: criteria provided, single submitter. Criteria: Invitae Variant Classification Sherloc (09022015). Collection method: clinical testing. Allele origin: germline.
Comment: This sequence change creates a premature translational stop signal (p.Thr227Hisfs*4) in the SNTA1 gene. It is expected to result in an absent or disrupted protein product. However, the current clinical and genetic evidence is not sufficient to establish whether loss-of-function variants in SNTA1 cause disease. This variant is present in population databases (no rsID available, gnomAD 0.002%). This variant has not been reported in the literature in individuals affected with SNTA1-related conditions. ClinVar contains an entry for this variant (Variation ID: 3668434). In summary, the available evidence is currently insufficient to determine the role of this variant in disease. Therefore, it has been classified as a Variant of Uncertain Significance.

NM_003098.3(SNTA1):c.678dup (p.Thr227fs)

Gene: SNTA1 (syntrophin alpha 1; minus strand). Cytogenetic location: 20q11.21.
Variant type: Duplication.
Coding change: c.678dup on transcript NM_003098.3 (MANE Select); coding-DNA position 678, one base duplicated (C; older notation c.678dupC).
Protein change: p.Thr227fs; shifts the reading frame from threonine 227.
Molecular consequence: frameshift variant.
Genome position (GRCh38, 1-based): chr20:33,417,742, G duplicated on the plus strand (C on the coding strand, the reverse complement: SNTA1 is on the minus strand). VCF-style (leftmost placement, unchanged base first): chr20-33417741-T-TG. GRCh37 (hg19) VCF-style: chr20-32005547-T-TG.
Other names: c.678dup, p.Thr227fs (NM_001424413.1, NM_001424414.1); short protein forms T227fs.
Identifiers: ClinVar variation 3668434 (VCV003668434.2).